The following is an entry in ClinVar:

ClinVar aggregate classification (germline): Uncertain significance (1 of 4 stars; one submission).

Allele frequency attached by ClinVar (database versions not stated): gnomAD exomes 0.00001.
gnomAD v4.1: 4 of 1,613,996 alleles (0.00025%); highest among the groups gnomAD compares: South Asian, 0.0011%; no homozygotes.

Submission:

Labcorp Genetics (formerly Invitae), Labcorp
Classification: Uncertain significance. Last evaluated: 2025-02-11. Review status: criteria provided, single submitter. Criteria: Invitae Variant Classification Sherloc (09022015). Collection method: clinical testing. Allele origin: germline.
Comment: This sequence change replaces arginine, which is basic and polar, with histidine, which is basic and polar, at codon 729 of the PLOD3 protein (p.Arg729His). This variant is present in population databases (no rsID available, gnomAD 0.004%). This variant has not been reported in the literature in individuals affected with PLOD3-related conditions. ClinVar contains an entry for this variant (Variation ID: 1915353). Invitae Evidence Modeling of protein sequence and biophysical properties (such as structural, functional, and spatial information, amino acid conservation, physicochemical variation, residue mobility, and thermodynamic stability) indicates that this missense variant is expected to disrupt PLOD3 protein function with a positive predictive value of 80%. In summary, the available evidence is currently insufficient to determine the role of this variant in disease. Therefore, it has been classified as a Variant of Uncertain Significance.

NM_001084.5(PLOD3):c.2186G>A (p.Arg729His)

Gene: PLOD3 (procollagen-lysine,2-oxoglutarate 5-dioxygenase 3; minus strand). Cytogenetic location: 7q22.1.
Variant type: single nucleotide variant.
Coding change: c.2186G>A on transcript NM_001084.5 (MANE Select); coding-DNA position 2186, G replaced by A.
Protein change: p.Arg729His; replaces arginine 729 with histidine.
Molecular consequence: missense variant.
Genome position (GRCh38, 1-based): chr7:101,206,312, C>T on the plus strand (G>A on the coding strand, the complement: PLOD3 is on the minus strand). VCF-style: chr7-101206312-C-T. GRCh37 (hg19) VCF-style: chr7-100849593-C-T.
Other names: short protein forms R729H.
Identifiers: ClinVar variation 1915353 (VCV001915353.3), dbSNP rs1361548571, ClinGen allele CA368607153.